The following is an entry in ClinVar:

ClinVar aggregate classification (germline): Pathogenic (1 of 4 stars; one submission).

Allele frequency attached by ClinVar (database versions not stated): gnomAD exomes below 0.00001; TOPMed below 0.00001; ExAC 0.00001.

Submission:

Labcorp Genetics (formerly Invitae), Labcorp
Classification: Pathogenic. Last evaluated: 2023-12-07. Review status: criteria provided, single submitter. Criteria: Invitae Variant Classification Sherloc (09022015). Collection method: clinical testing. Allele origin: germline.
Comment: This sequence change creates a premature translational stop signal (p.Tyr286*) in the C9 gene. It is expected to result in an absent or disrupted protein product. Loss-of-function variants in C9 are known to be pathogenic (PMID: 9144525, 9570574). This variant is present in population databases (rs763026372, gnomAD 0.002%). This variant has not been reported in the literature in individuals affected with C9-related conditions. For these reasons, this variant has been classified as Pathogenic.

Literature cited by the submitters: PubMed 9144525; PubMed 9570574.

NM_001737.5(C9):c.858_863del (p.Tyr286_Ser288delinsTer)

Gene: C9 (complement C9; minus strand). Cytogenetic location: 5p13.1.
Variant type: Deletion.
Coding change: c.858_863del on transcript NM_001737.5 (MANE Select); coding-DNA positions 858 to 863, 6 bases deleted (TTCTTC; older notation c.858_863delTTCTTC).
Protein change: p.Tyr286_Ser288delinsTer.
Molecular consequence: nonsense.
Genome position (GRCh38, 1-based): chr5:39,315,782-39,315,787, GAAGAA deleted on the plus strand (TTCTTC on the coding strand, the reverse complement: C9 is on the minus strand). VCF-style (leftmost placement, unchanged base first): chr5-39315781-TGAAGAA-T. GRCh37 (hg19) VCF-style: chr5-39315883-TGAAGAA-T.
Identifiers: ClinVar variation 2701350 (VCV002701350.3), dbSNP rs763026372, ClinGen allele CA3246880.
Genomic context (GRCh38, chr5:39,315,781, plus strand): 5'-AGTCTGGGTAGTTTGGAACCTTTCTATATTCCTATATTAACTGTTTTGTCTTACCTTCTT[TGAAGAA>T]TATGACAAAAATAGTTGGTAAGTTTCATTTTTGGAATATGAAAACCGAAAACTACCCTTG-3'